The following is an entry in ClinVar:

NM_031448.6(C19orf12):c.*1686T>C

Gene: C19orf12 (chromosome 19 open reading frame 12; minus strand). Cytogenetic location: 19q12.
Variant type: single nucleotide variant.
Coding change: c.*1686T>C on transcript NM_031448.6 (MANE Select); 1686 bases downstream of the stop codon, T replaced by C.
Molecular consequence: 3 prime UTR variant.
Genome position (GRCh38, 1-based): chr19:29,701,026, A>G on the plus strand (T>C on the coding strand, the complement: C19orf12 is on the minus strand). VCF-style: chr19-29701026-A-G. GRCh37 (hg19) VCF-style: chr19-30191933-A-G.
Other names: c.*1686T>C (NM_001031726.4, NM_001256047.2, NM_001282929.1 and 2 more transcripts); c.*1733T>C (NM_001256046.3).
Identifiers: ClinVar variation 328692 (VCV000328692.6), dbSNP rs7255131, ClinGen allele CA9351728.

ClinVar aggregate classification (germline): Benign. Review status: criteria provided, multiple submitters, no conflicts (2 of 4 stars). 2 submissions from 2 submitters: Benign (2). Last evaluated 2018-01-13.

Conditions:
Neurodegeneration with brain iron accumulation 4 (NBIA4). Also called: MITOCHONDRIAL PROTEIN-ASSOCIATED NEURODEGENERATION. Identifiers: Orphanet 289560, MedGen C3280371, MONDO:0013674, OMIM 614298. Disease mechanism: loss of function.

Allele frequency attached by ClinVar (database versions not stated): gnomAD exomes 0.68531 and 0.71800; ExAC 0.69597; 1000 Genomes Project 0.70966; 1000 Genomes Project 30x 0.71752; gnomAD 0.77794 and 0.78821; TOPMed 0.77850.
gnomAD v4.1: 335,170 of 453,952 alleles (74%); highest among the groups gnomAD compares: African/African-American, 94%; 126,402 homozygotes.

Submissions (2):

Illumina Laboratory Services, Illumina
Classification: Benign for Neurodegeneration with brain iron accumulation 4. Last evaluated: 2018-01-13. Review status: criteria provided, single submitter. Criteria: ICSL Variant Classification Criteria 13 December 2019. Collection method: clinical testing. Allele origin: germline.
Comment: This variant was observed in the ICSL laboratory as part of a predisposition screen in an ostensibly healthy population. It had not been previously curated by ICSL or reported in the Human Gene Mutation Database (HGMD: prior to June 1st, 2018), and was therefore a candidate for classification through an automated scoring system. Utilizing variant allele frequency, disease prevalence and penetrance estimates, and inheritance mode, an automated score was calculated to assess if this variant is too frequent to cause the disease. Based on the score and internal cut-off values, a variant classified as benign is not then subjected to further curation. The score for this variant resulted in a classification of benign for this disease.

Breakthrough Genomics
Classification: Benign. Review status: criteria provided, single submitter. Criteria: ACMG Guidelines, 2015. Collection method: not provided. Allele origin: germline. Inheritance: Autosomal recessive inheritance. Affected: yes.